The following is an entry in ClinVar:

ClinVar aggregate classification (germline): Uncertain significance (1 of 4 stars; one submission).

Conditions:
Distal hereditary motor neuropathy type 2. Identifiers: Orphanet 139525, MedGen C3711384, MeSH C580044, MONDO:0015352.

Allele frequency attached by ClinVar (database versions not stated): gnomAD exomes below 0.00001.
gnomAD v4.1: 1 of 1,614,016 alleles (0.000062%); highest among the groups gnomAD compares: Non-Finnish European, 0.000085%; no homozygotes.

Submission:

Labcorp Genetics (formerly Invitae), Labcorp
Classification: Uncertain significance for Distal hereditary motor neuropathy type 2. Last evaluated: 2025-09-05. Review status: criteria provided, single submitter. Criteria: Invitae Variant Classification Sherloc (09022015). Collection method: clinical testing. Allele origin: germline.
Comment: This sequence change replaces valine, which is neutral and non-polar, with alanine, which is neutral and non-polar, at codon 712 of the FBXO38 protein (p.Val712Ala). This variant is not present in population databases (gnomAD no frequency). This variant has not been reported in the literature in individuals affected with FBXO38-related conditions. ClinVar contains an entry for this variant (Variation ID: 2051129). Invitae Evidence Modeling of protein sequence and biophysical properties (such as structural, functional, and spatial information, amino acid conservation, physicochemical variation, residue mobility, and thermodynamic stability) indicates that this missense variant is not expected to disrupt FBXO38 protein function with a negative predictive value of 80%. In summary, the available evidence is currently insufficient to determine the role of this variant in disease. Therefore, it has been classified as a Variant of Uncertain Significance.

NM_205836.3(FBXO38):c.2135T>C (p.Val712Ala)

Gene: FBXO38 (F-box protein 38; plus strand). Cytogenetic location: 5q32.
Variant type: single nucleotide variant.
Coding change: c.2135T>C on transcript NM_205836.3 (MANE Select); coding-DNA position 2135, T replaced by C.
Protein change: p.Val712Ala; replaces valine 712 with alanine.
Molecular consequence: missense variant. On other transcripts: intron variant (1).
Genome position (GRCh38, 1-based): chr5:148,427,429, T>C. VCF-style: chr5-148427429-T-C. GRCh37 (hg19) VCF-style: chr5-147806992-T-C.
Other names: c.2135T>C, p.Val712Ala (NM_030793.5); c.1918+1728T>C (NM_001271723.2); short protein forms V712A.
Identifiers: ClinVar variation 2051129 (VCV002051129.4), dbSNP rs2531810296, ClinGen allele CA361656928.
Genomic context (GRCh38, chr5:148,427,429, plus strand): 5'-CTGAAAAGAAAAAAAACAAGGATGTTTATCCCAGCTGCAGCAGCACCACCGCCAGCACAG[T>C]GGGAAACTCCAGCTCACACAACACTGCTTCTCAAAGCCCCGACTTTGTAAGGACGGTGAA-3'
Protein context (NP_995308.1, residues 702-722): PSCSSTTAST[Val712Ala]GNSSSHNTAS